The following is an entry in ClinVar:

NM_003680.4(YARS1):c.1034C>T (p.Ser345Leu)

Gene: YARS1 (tyrosyl-tRNA synthetase 1; minus strand). Cytogenetic location: 1p35.1.
Variant type: single nucleotide variant.
Coding change: c.1034C>T on transcript NM_003680.4 (MANE Select); coding-DNA position 1034, C replaced by T.
Protein change: p.Ser345Leu; replaces serine 345 with leucine.
Molecular consequence: missense variant.
Genome position (GRCh38, 1-based): chr1:32,782,412, G>A on the plus strand (C>T on the coding strand, the complement: YARS1 is on the minus strand). VCF-style: chr1-32782412-G-A. GRCh37 (hg19) VCF-style: chr1-33248013-G-A.
Other names: short protein forms S345L.
Identifiers: ClinVar variation 1685216 (VCV001685216.3), dbSNP rs35746182, ClinGen allele CA20275530.

ClinVar aggregate classification (germline): Uncertain significance. Review status: criteria provided, multiple submitters, no conflicts (2 of 4 stars). 2 submissions from 2 submitters: Uncertain significance (2). Last evaluated 2022-05-04.

Conditions:
Inborn genetic diseases. Identifiers: MedGen C0950123, MeSH D030342.

Allele frequency attached by ClinVar (database versions not stated): gnomAD exomes 0.00001.
gnomAD v4.1: 4 of 1,613,986 alleles (0.00025%); highest among the groups gnomAD compares: Non-Finnish European, 0.00034%; no homozygotes.

Submissions (2):

Mendelics
Classification: Uncertain significance. Last evaluated: 2022-05-04. Review status: criteria provided, single submitter. Criteria: Mendelics Assertion Criteria 2019. Collection method: clinical testing. Allele origin: germline.

Ambry Genetics
Classification: Uncertain significance for Inborn genetic diseases. Last evaluated: 2021-08-24. Review status: criteria provided, single submitter. Criteria: Ambry Variant Classification Scheme 2023. Collection method: clinical testing. Allele origin: germline.
Comment: The p.S345L variant (also known as c.1034C>T), located in coding exon 9 of the YARS gene, results from a C to T substitution at nucleotide position 1034. The serine at codon 345 is replaced by leucine, an amino acid with dissimilar properties. This amino acid position is conserved. In addition, this alteration is predicted to be tolerated by in silico analysis. Since supporting evidence is limited at this time, the clinical significance of this alteration remains unclear.